The following is an entry in ClinVar:

ClinVar aggregate classification (germline): Uncertain significance. Review status: criteria provided, multiple submitters, no conflicts (2 of 4 stars). 2 submissions from 2 submitters: Uncertain significance (2). Last evaluated 2023-12-23.

Conditions:
Hereditary cancer-predisposing syndrome. Also called: Hereditary Cancer Syndrome; Neoplastic Syndromes, Hereditary; Tumor predisposition; Hereditary neoplastic syndrome. Identifiers: Orphanet 140162, MedGen C0027672, MeSH D009386, MONDO:0015356.

Submissions (2):

Ambry Genetics
Classification: Uncertain significance for Hereditary cancer-predisposing syndrome. Last evaluated: 2023-12-23. Review status: criteria provided, single submitter. Criteria: Ambry Variant Classification Scheme 2023. Collection method: clinical testing. Allele origin: germline.
Comment: The p.Q2480R variant (also known as c.7439A>G), located in coding exon 15 of the APC gene, results from an A to G substitution at nucleotide position 7439. The glutamine at codon 2480 is replaced by arginine, an amino acid with highly similar properties. This amino acid position is conserved. In addition, in silico predictors for this gene do not accurately predict pathogenicity. Since supporting evidence is limited at this time, the clinical significance of this alteration remains unclear.

Color Diagnostics, LLC DBA Color Health
Classification: Uncertain significance for Hereditary cancer-predisposing syndrome. Last evaluated: 2019-05-14. Review status: criteria provided, single submitter. Criteria: ACMG Guidelines, 2015. Collection method: clinical testing. Allele origin: germline.

NM_000038.6(APC):c.7439A>G (p.Gln2480Arg)

Gene: APC (APC regulator of Wnt signaling pathway; plus strand). Cytogenetic location: 5q22.2.
Variant type: single nucleotide variant.
Coding change: c.7439A>G on transcript NM_000038.6 (MANE Select); coding-DNA position 7439, A replaced by G.
Protein change: p.Gln2480Arg; replaces glutamine 2480 with arginine.
Molecular consequence: missense variant.
Genome position (GRCh38, 1-based): chr5:112,843,033, A>G. VCF-style: chr5-112843033-A-G. GRCh37 (hg19) VCF-style: chr5-112178730-A-G.
Other names: c.7439A>G, p.Gln2480Arg (NM_001127510.3, NM_001354895.2); c.7385A>G, p.Gln2462Arg (NM_001127511.3); c.7493A>G, p.Gln2498Arg (NM_001354896.2); c.7469A>G, p.Gln2490Arg (NM_001354897.2); c.7364A>G, p.Gln2455Arg (NM_001354898.2); c.7355A>G, p.Gln2452Arg (NM_001354899.2); c.7316A>G, p.Gln2439Arg (NM_001354900.2); c.7262A>G, p.Gln2421Arg (NM_001354901.2); and 5 more; short protein forms Q2462R, Q2480R, Q2379R, Q2421R, Q2452R, Q2490R, Q2197R, Q2320R.
Identifiers: ClinVar variation 490360 (VCV000490360.5), dbSNP rs1554088364, ClinGen allele CA16037520.